The following is an entry in ClinVar:

ClinVar aggregate classification (germline): Uncertain significance (1 of 4 stars; one submission).

Conditions:
Tuberous sclerosis 1 (TSC1). Identifiers: Orphanet 805, MedGen C1854465, MONDO:0008612, OMIM 191100.

Submission:

Labcorp Genetics (formerly Invitae), Labcorp
Classification: Uncertain significance for Tuberous sclerosis 1. Last evaluated: 2023-01-06. Review status: criteria provided, single submitter. Criteria: Invitae Variant Classification Sherloc (09022015). Collection method: clinical testing. Allele origin: germline.
Comment: In summary, the available evidence is currently insufficient to determine the role of this variant in disease. Therefore, it has been classified as a Variant of Uncertain Significance. Algorithms developed to predict the effect of sequence changes on RNA splicing suggest that this variant may disrupt the consensus splice site. This variant has not been reported in the literature in individuals affected with TSC1-related conditions. This variant is not present in population databases (gnomAD no frequency). This sequence change falls in intron 3 of the TSC1 gene. It does not directly change the encoded amino acid sequence of the TSC1 protein.

NM_000368.5(TSC1):c.106+13_106+15del

Gene: TSC1 (TSC complex subunit 1; minus strand). Cytogenetic location: 9q34.13.
Variant type: Microsatellite.
Coding change: c.106+13_106+15del on transcript NM_000368.5 (MANE Select); bases 13 to 15 of the intron after coding-DNA position 106, 3 bases deleted (ATA; older notation c.106+13_106+15delATA).
Molecular consequence: intron variant.
Genome position (GRCh38, 1-based): chr9:132,928,752-132,928,754, TAT deleted on the plus strand (ATA on the coding strand, the reverse complement: TSC1 is on the minus strand); deleting any 3 consecutive bases within chr9:132,928,752-132,928,758 gives the same sequence; the c. name uses the placement nearest the transcript's 3' end. VCF-style (leftmost placement, unchanged base first): chr9-132928751-ATAT-A. GRCh37 (hg19) VCF-style: chr9-135804138-ATAT-A.
Other names: c.-153-3015_-153-3013del (NM_001406620.1, NM_001406618.1); c.-154+13_-154+15del (NM_001406625.1, NM_001406621.1, NM_001406617.1 and 3 more transcripts); c.106+13_106+15del (NM_001406613.1, NM_001406612.1, NM_001406610.1 and 21 more transcripts); c.-772+13_-772+15del (NM_001406627.1, NM_001406628.1, NM_001406626.1); c.-914+13_-914+15del (NM_001406629.1); c.-246+13_-246+15del (NM_001406614.1); c.-988+13_-988+15del (NM_001406630.1); c.-350+13_-350+15del (NM_001406624.1, NM_001406616.1); and 1 more.
Identifiers: ClinVar variation 2805258 (VCV002805258.3), dbSNP rs2539141782, ClinGen allele CA2739265178.
Genomic context (GRCh38, chr9:132,928,751, plus strand): 5'-CAGCAGGATTCTAGTGGCTCTAAAGTCAATCTCTTCTTTCTAGAAGATAAGCTAAAAAGG[ATAT>A]TATTTTGCTAACCAGAATTGAGGTTCTCTTTAAAGACAGCTGTCACGTCGTCCCGCACAC-3'